The following is an entry in ClinVar:

NM_000435.3(NOTCH3):c.1037-188A>G

Gene: NOTCH3 (notch receptor 3; minus strand). Cytogenetic location: 19p13.12.
Variant type: single nucleotide variant.
Coding change: c.1037-188A>G on transcript NM_000435.3 (MANE Select); 188 bases into the intron before coding-DNA position 1037, A replaced by G.
Molecular consequence: intron variant.
Genome position (GRCh38, 1-based): chr19:15,189,616, T>C on the plus strand (A>G on the coding strand, the complement: NOTCH3 is on the minus strand). VCF-style: chr19-15189616-T-C. GRCh37 (hg19) VCF-style: chr19-15300427-T-C.
Identifiers: ClinVar variation 1700391 (VCV001700391.2), dbSNP rs111899180, ClinGen allele CA305776188.

ClinVar aggregate classification (germline): Likely benign (1 of 4 stars; one submission).

Allele frequency attached by ClinVar (database versions not stated): gnomAD 0.00968 and 0.01037; 1000 Genomes Project 0.01058; TOPMed 0.01093; 1000 Genomes Project 30x 0.01156.
gnomAD v4.1: 1,462 of 152,306 alleles (0.96%); highest among the groups gnomAD compares: African/African-American, 3.3%; 24 homozygotes.

Submission:

GeneDx
Classification: Likely benign. Last evaluated: 2022-02-08. Review status: criteria provided, single submitter. Criteria: GeneDx Variant Classification Process June 2021. Collection method: clinical testing. Allele origin: germline. Affected: yes.
Comment: See Variant Classification Assertion Criteria.